The following is an entry in ClinVar:

ClinVar aggregate classification (germline): Pathogenic/Likely pathogenic. Review status: criteria provided, multiple submitters, no conflicts (2 of 4 stars). 2 submissions from 2 submitters: Pathogenic (1); Likely pathogenic (1). Last evaluated 2023-05-07.

Conditions:
Bardet-Biedl syndrome 10 (BBS10). Identifiers: Orphanet 110, MedGen C1859568, MONDO:0014438, OMIM 615987.
Bardet-Biedl syndrome (BBS). Identifiers: Orphanet 110, MedGen C0752166, MONDO:0015229.

Submissions (2):

Baylor Genetics
Classification: Likely pathogenic for Bardet-Biedl syndrome 10. Last evaluated: 2023-05-07. Review status: criteria provided, single submitter. Criteria: ACMG Guidelines, 2015. Collection method: clinical testing. Allele origin: unknown.

Labcorp Genetics (formerly Invitae), Labcorp
Classification: Pathogenic for Bardet-Biedl syndrome. Last evaluated: 2022-10-13. Review status: criteria provided, single submitter. Criteria: Invitae Variant Classification Sherloc (09022015). Collection method: clinical testing. Allele origin: germline.
Comment: For these reasons, this variant has been classified as Pathogenic. This variant disrupts a region of the BBS10 protein in which other variant(s) (p.Val707*) have been determined to be pathogenic (PMID: 20472660, 22773737, 25982971, 27486776). This suggests that this is a clinically significant region of the protein, and that variants that disrupt it are likely to be disease-causing. ClinVar contains an entry for this variant (Variation ID: 943705). This variant has not been reported in the literature in individuals affected with BBS10-related conditions. This variant is not present in population databases (gnomAD no frequency). This sequence change creates a premature translational stop signal (p.Trp120*) in the BBS10 gene. While this is not anticipated to result in nonsense mediated decay, it is expected to disrupt the last 604 amino acid(s) of the BBS10 protein.

Literature cited by the submitters: PubMed 20472660 (cited by Labcorp Genetics (formerly Invitae), Labcorp); PubMed 22773737 (cited by Labcorp Genetics (formerly Invitae), Labcorp); PubMed 25982971 (cited by Labcorp Genetics (formerly Invitae), Labcorp); PubMed 27486776 (cited by Labcorp Genetics (formerly Invitae), Labcorp).

NM_024685.4(BBS10):c.360G>A (p.Trp120Ter)

Gene: BBS10 (Bardet-Biedl syndrome 10; minus strand). Cytogenetic location: 12q21.2.
Variant type: single nucleotide variant.
Coding change: c.360G>A on transcript NM_024685.4 (MANE Select); coding-DNA position 360, G replaced by A.
Protein change: p.Trp120Ter; replaces tryptophan 120 with a stop codon.
Molecular consequence: nonsense.
Genome position (GRCh38, 1-based): chr12:76,347,625, C>T on the plus strand (G>A on the coding strand, the complement: BBS10 is on the minus strand). VCF-style: chr12-76347625-C-T. GRCh37 (hg19) VCF-style: chr12-76741405-C-T.
Other names: short protein forms W120*.
Identifiers: ClinVar variation 943705 (VCV000943705.10), dbSNP rs1951771573, ClinGen allele CA385815448.